The following is an entry in ClinVar:

NM_003978.5(PSTPIP1):c.-110G>T

Gene: PSTPIP1 (proline-serine-threonine phosphatase interacting protein 1; plus strand). Cytogenetic location: 15q24.3.
Variant type: single nucleotide variant.
Coding change: c.-110G>T on transcript NM_003978.5 (MANE Select); 110 bases upstream of the start codon, G replaced by T.
Molecular consequence: 5 prime UTR variant. On other transcripts: missense variant (1), non-coding transcript variant (1).
Genome position (GRCh38, 1-based): chr15:76,995,464, G>T. VCF-style: chr15-76995464-G-T. GRCh37 (hg19) VCF-style: chr15-77287805-G-T.
Other names: c.-110G>T (NM_001321135.2, NM_001411086.1); c.-356G>T (NM_001321136.2); c.86G>T, p.Gly29Val (NM_001321137.1); short protein forms G29V.
Identifiers: ClinVar variation 4980426 (VCV004980426.1).

ClinVar aggregate classification (germline): Uncertain significance (1 of 4 stars; one submission).

Conditions:
PSTPIP1-related disorder. Also called: PSTPIP1-related condition.

gnomAD v4.1: 219 of 1,582,240 alleles (0.014%); highest among the groups gnomAD compares: African/African-American, 0.25%; no homozygotes.

Submission:

PreventionGenetics, part of Exact Sciences
Classification: Uncertain significance for PSTPIP1-related condition. Last evaluated: 2025-04-28. Review status: criteria provided, single submitter. Criteria: ACMG Guidelines, 2015. Collection method: clinical testing. Allele origin: germline.
Comment: The PSTPIP1 c.86G>T variant is predicted to result in the amino acid substitution p.Gly29Val. To our knowledge, this variant has not been reported in the literature. This variant is reported in 0.31% of alleles in individuals of African descent in gnomAD, which may be too common to be causative. Although we suspect that this variant may be benign, at this time, the clinical significance of this variant is uncertain due to the absence of conclusive functional and genetic evidence.